The following is an entry in ClinVar:

ClinVar aggregate classification (germline): Likely benign. Review status: criteria provided, multiple submitters, no conflicts (2 of 4 stars). 3 submissions from 3 submitters: Likely benign (3). Last evaluated 2025-03-23.

Conditions:
Seizures, benign familial infantile, 3 (BFIS3). Also called: Familial neonatal seizures; CONVULSIONS, BENIGN FAMILIAL INFANTILE, 3. Identifiers: Orphanet 140927, Orphanet 306, MedGen C1843140, MONDO:0011904, OMIM 607745.
Developmental and epileptic encephalopathy, 11 (DEE11). Also called: Early infantile epileptic encephalopathy 11. Identifiers: Orphanet 1934, MedGen C3150987, MONDO:0013388, OMIM 613721.
Inborn genetic diseases. Identifiers: MedGen C0950123, MeSH D030342.

Allele frequency attached by ClinVar (database versions not stated): TOPMed 0.00001.
gnomAD v4.1: 4 of 1,611,532 alleles (0.00025%); highest among the groups gnomAD compares: Admixed American, 0.005%; no homozygotes.

Submissions (3):

Labcorp Genetics (formerly Invitae), Labcorp
Classification: Likely benign for Seizures, benign familial infantile, 3; Developmental and epileptic encephalopathy, 11. Last evaluated: 2025-03-23. Review status: criteria provided, single submitter. Criteria: Invitae Variant Classification Sherloc (09022015). Collection method: clinical testing. Allele origin: germline.

Ambry Genetics
Classification: Likely benign for Inborn genetic diseases. Last evaluated: 2018-01-29. Review status: criteria provided, single submitter. Criteria: Ambry Variant Classification Scheme 2023. Collection method: clinical testing. Allele origin: germline.

GeneDx
Classification: Likely benign. Last evaluated: 2016-09-21. Review status: criteria provided, single submitter. Criteria: GeneDx Variant Classification (06012015). Collection method: clinical testing. Allele origin: germline. Affected: yes.
Comment: This variant is considered likely benign or benign based on one or more of the following criteria: it is a conservative change, it occurs at a poorly conserved position in the protein, it is predicted to be benign by multiple in silico algorithms, and/or has population frequency not consistent with disease.

NM_001040142.2(SCN2A):c.432A>G (p.Val144=)

Gene: SCN2A (sodium voltage-gated channel alpha subunit 2; plus strand). Cytogenetic location: 2q24.3.
Variant type: single nucleotide variant.
Coding change: c.432A>G on transcript NM_001040142.2 (MANE Select); coding-DNA position 432, A replaced by G.
Protein change: p.Val144=; no amino-acid change (valine 144 retained).
Molecular consequence: synonymous variant.
Genome position (GRCh38, 1-based): chr2:165,307,893, A>G. VCF-style: chr2-165307893-A-G. GRCh37 (hg19) VCF-style: chr2-166164403-A-G.
Other names: c.432A>G, p.Val144= (NM_001040143.2, NM_001371246.1, NM_001371247.1 and 1 more transcripts).
Identifiers: ClinVar variation 378523 (VCV000378523.11), dbSNP rs757533588, ClinGen allele CA1939607.
Genomic context (GRCh38, chr2:165,307,893, plus strand): 5'-TTGACGATATTCTACTTTATTCAATATGCTCATTATGTGCACGATTCTTACCAACTGTGT[A>G]TTTATGACCATGAGTAACCCTCCAGACTGGACAAAGAATGTGGAGTAAGTATAAATATTT-3'
Protein context (NP_001035232.1, residues 134-154): LIMCTILTNC[Val144=]FMTMSNPPDW